The following is an entry in ClinVar:

NM_000375.3(UROS):c.337G>C (p.Asp113His)

Gene: UROS (uroporphyrinogen III synthase; minus strand). Cytogenetic location: 10q26.2.
Variant type: single nucleotide variant.
Coding change: c.337G>C on transcript NM_000375.3 (MANE Select); coding-DNA position 337, G replaced by C.
Protein change: p.Asp113His; replaces aspartic acid 113 with histidine.
Molecular consequence: missense variant. On other transcripts: non-coding transcript variant (4).
Genome position (GRCh38, 1-based): chr10:125,807,470, C>G on the plus strand (G>C on the coding strand, the complement: UROS is on the minus strand). VCF-style: chr10-125807470-C-G. GRCh37 (hg19) VCF-style: chr10-127496039-C-G.
Other names: p.Asp113His; c.337G>C (NM_000375.2); c.337G>C, p.Asp113His (NM_001324036.2, NM_001324037.2, NM_001324038.2 and 1 more transcripts); short protein forms D113H.
Identifiers: ClinVar variation 1497350 (VCV001497350.7), dbSNP rs754414355, ClinGen allele CA5738511.

ClinVar aggregate classification (germline): Uncertain significance. Review status: criteria provided, multiple submitters, no conflicts (2 of 4 stars). 3 submissions from 3 submitters: Uncertain significance (3). Last evaluated 2025-07-15.

Conditions:
Inborn genetic diseases. Identifiers: MedGen C0950123, MeSH D030342.

gnomAD v4.1: 17 of 1,613,894 alleles (0.0011%); highest among the groups gnomAD compares: Admixed American, 0.0083%; no homozygotes.

Submissions (3):

Ambry Genetics
Classification: Uncertain significance for Inborn genetic diseases. Last evaluated: 2025-07-15. Review status: criteria provided, single submitter. Criteria: Ambry Variant Classification Scheme 2023. Collection method: clinical testing. Allele origin: germline.

Mayo Clinic Laboratories, Mayo Clinic
Classification: Uncertain significance. Last evaluated: 2023-01-19. Review status: criteria provided, single submitter. Criteria: ACMG Guidelines, 2015. Collection method: clinical testing. Allele origin: germline. Observed: 2 variant alleles.
Comment: BP4

Labcorp Genetics (formerly Invitae), Labcorp
Classification: Uncertain significance. Last evaluated: 2022-09-07. Review status: criteria provided, single submitter. Criteria: Invitae Variant Classification Sherloc (09022015). Collection method: clinical testing. Allele origin: germline.
Comment: This sequence change replaces aspartic acid, which is acidic and polar, with histidine, which is basic and polar, at codon 113 of the UROS protein (p.Asp113His). This variant is present in population databases (rs754414355, gnomAD 0.006%). This variant has not been reported in the literature in individuals affected with UROS-related conditions. ClinVar contains an entry for this variant (Variation ID: 1497350). Algorithms developed to predict the effect of missense changes on protein structure and function output the following: SIFT: "Tolerated"; PolyPhen-2: "Benign"; Align-GVGD: "Class C0". The histidine amino acid residue is found in multiple mammalian species, which suggests that this missense change does not adversely affect protein function. In summary, the available evidence is currently insufficient to determine the role of this variant in disease. Therefore, it has been classified as a Variant of Uncertain Significance.